The following is an entry in ClinVar:

NM_176787.5(PIGN):c.2558_2561dup (p.Gln854fs)

Gene: PIGN (phosphatidylinositol glycan anchor biosynthesis class N; minus strand). Cytogenetic location: 18q21.33.
Variant type: Duplication.
Coding change: c.2558_2561dup on transcript NM_176787.5 (MANE Select); coding-DNA positions 2558 to 2561, 4 bases duplicated (CTCA; older notation c.2558_2561dupCTCA).
Protein change: p.Gln854fs; shifts the reading frame from glutamine 854.
Molecular consequence: frameshift variant.
Genome position (GRCh38, 1-based): chr18:62,082,688-62,082,691, TGAG duplicated on the plus strand (CTCA on the coding strand, the reverse complement: PIGN is on the minus strand); duplicating any 4 consecutive bases within chr18:62,082,688-62,082,692 gives the same sequence; the c. name uses the placement nearest the transcript's 3' end. VCF-style (leftmost placement, unchanged base first): chr18-62082687-C-CTGAG. GRCh37 (hg19) VCF-style: chr18-59749920-C-CTGAG.
Other names: c.2558_2561dup, p.Gln854fs (NM_012327.6); short protein forms Q854fs.
Identifiers: ClinVar variation 1035599 (VCV001035599.4), dbSNP rs1028320933, ClinGen allele CA301688632.

ClinVar aggregate classification (germline): Uncertain significance (1 of 4 stars; one submission).

Conditions:
Multiple congenital anomalies-hypotonia-seizures syndrome 1 (MCAHS1). Also called: GLYCOSYLPHOSPHATIDYLINOSITOL BIOSYNTHESIS DEFECT 3; PIGN-CDG; Congenital disorder of glycosylation due to PIGN deficiency. Identifiers: Orphanet 280633, MedGen C3279775, MONDO:0013563, OMIM 614080.

Submission:

Labcorp Genetics (formerly Invitae), Labcorp
Classification: Uncertain significance for Multiple congenital anomalies-hypotonia-seizures syndrome 1. Last evaluated: 2020-07-31. Review status: criteria provided, single submitter. Criteria: Invitae Variant Classification Sherloc (09022015). Collection method: clinical testing. Allele origin: germline.
Comment: This sequence change results in a premature translational stop signal in the PIGN gene (p.Gln854Hisfs*35). While this is not anticipated to result in nonsense mediated decay, it is expected to disrupt the last 78 amino acids of the PIGN protein. This variant is not present in population databases (ExAC no frequency). This variant has not been reported in the literature in individuals with PIGN-related conditions. Experimental studies and prediction algorithms are not available or were not evaluated, and the functional significance of this variant is currently unknown. In summary, the available evidence is currently insufficient to determine the role of this variant in disease. Therefore, it has been classified as a Variant of Uncertain Significance.